The following is an entry in ClinVar:

NM_000632.4(ITGAM):c.149C>G (p.Ala50Gly)

Genes: ITGAM (integrin subunit alpha M; plus strand), LOC126862331 (P300/CBP strongly-dependent group 1 enhancer GRCh37_chr16:31276375-31277574; plus strand). Cytogenetic location: 16p11.2.
Variant type: single nucleotide variant.
Coding change: c.149C>G on transcript NM_000632.4 (MANE Select); coding-DNA position 149, C replaced by G.
Protein change: p.Ala50Gly; replaces alanine 50 with glycine.
Molecular consequence: missense variant.
Genome position (GRCh38, 1-based): chr16:31,265,409, C>G. VCF-style: chr16-31265409-C-G. GRCh37 (hg19) VCF-style: chr16-31276730-C-G.
Other names: c.149C>G, p.Ala50Gly (NM_001145808.2); short protein forms A50G.
Identifiers: ClinVar variation 2058184 (VCV002058184.4), dbSNP rs771140735, ClinGen allele CA8025136.
Genomic context (GRCh38, chr16:31,265,409, plus strand): 5'-TCTCCCCACATGTCGAAGTTTTCTCTGTTCCCACTTCTCCCCACAGGGTGGTGGTTGGAG[C>G]CCCCCAGGAGATAGTGGCTGCCAACCAAAGGGGCAGCCTCTACCAGTGCGACTACAGCAC-3'
Protein context (NP_000623.2, residues 40-60): QLQGSRVVVG[Ala50Gly]PQEIVAANQR

ClinVar aggregate classification (germline): Uncertain significance (1 of 4 stars; one submission).

Allele frequency attached by ClinVar (database versions not stated): ExAC 0.00002.
gnomAD v4.1: 1 of 1,599,752 alleles (0.000063%); highest among the groups gnomAD compares: Non-Finnish European, 0.000085%; no homozygotes.

Submission:

Labcorp Genetics (formerly Invitae), Labcorp
Classification: Uncertain significance. Last evaluated: 2024-11-25. Review status: criteria provided, single submitter. Criteria: Invitae Variant Classification Sherloc (09022015). Collection method: clinical testing. Allele origin: germline.
Comment: This sequence change replaces alanine, which is neutral and non-polar, with glycine, which is neutral and non-polar, at codon 50 of the ITGAM protein (p.Ala50Gly). This variant is present in population databases (rs771140735, gnomAD 0.001%). This variant has not been reported in the literature in individuals affected with ITGAM-related conditions. ClinVar contains an entry for this variant (Variation ID: 2058184). An algorithm developed to predict the effect of missense changes on protein structure and function (PolyPhen-2) suggests that this variant is likely to be tolerated. In summary, the available evidence is currently insufficient to determine the role of this variant in disease. Therefore, it has been classified as a Variant of Uncertain Significance.